The following is an entry in ClinVar:

NM_004304.5(ALK):c.4112A>G (p.Glu1371Gly)

Gene: ALK (ALK receptor tyrosine kinase; minus strand). Cytogenetic location: 2p23.2.
Variant type: single nucleotide variant.
Coding change: c.4112A>G on transcript NM_004304.5 (MANE Select); coding-DNA position 4112, A replaced by G.
Protein change: p.Glu1371Gly; replaces glutamic acid 1371 with glycine.
Molecular consequence: missense variant.
Genome position (GRCh38, 1-based): chr2:29,196,822, T>C on the plus strand (A>G on the coding strand, the complement: ALK is on the minus strand). VCF-style: chr2-29196822-T-C. GRCh37 (hg19) VCF-style: chr2-29419688-T-C.
Other names: c.908A>G, p.Glu303Gly (NM_001353765.2); short protein forms E1371G, E303G.
Identifiers: ClinVar variation 1059980 (VCV001059980.9), dbSNP rs781021461, ClinGen allele CA1593664.

ClinVar aggregate classification (germline): Uncertain significance (1 of 4 stars; one submission).

Conditions:
Neuroblastoma, susceptibility to, 3. Also called: ALK-Related Neuroblastic Tumor Susceptibility. Identifiers: Orphanet 635, MedGen C2751681, MONDO:0013083, OMIM 613014.

Allele frequency attached by ClinVar (database versions not stated): ExAC 0.00001; gnomAD exomes 0.00001.
gnomAD v4.1: 3 of 1,614,206 alleles (0.00019%); highest among the groups gnomAD compares: South Asian, 0.0033%; no homozygotes.

Submission:

Labcorp Genetics (formerly Invitae), Labcorp
Classification: Uncertain significance for Neuroblastoma, susceptibility to, 3. Last evaluated: 2020-09-26. Review status: criteria provided, single submitter. Criteria: Invitae Variant Classification Sherloc (09022015). Collection method: clinical testing. Allele origin: germline.
Comment: In summary, the available evidence is currently insufficient to determine the role of this variant in disease. Therefore, it has been classified as a Variant of Uncertain Significance. This sequence change replaces glutamic acid with glycine at codon 1371 of the ALK protein (p.Glu1371Gly). The glutamic acid residue is highly conserved and there is a moderate physicochemical difference between glutamic acid and glycine. This variant is present in population databases (rs781021461, ExAC 0.006%). This variant has not been reported in the literature in individuals with ALK-related conditions. Algorithms developed to predict the effect of missense changes on protein structure and function are either unavailable or do not agree on the potential impact of this missense change (SIFT: "Deleterious"; PolyPhen-2: "Probably Damaging"; Align-GVGD: "Class C0").